The following is an entry in ClinVar:

NM_001083116.3(PRF1):c.900C>T (p.His300=)

Gene: PRF1 (perforin 1; minus strand). Cytogenetic location: 10q22.1.
Variant type: single nucleotide variant.
Coding change: c.900C>T on transcript NM_001083116.3 (MANE Select); coding-DNA position 900, C replaced by T.
Protein change: p.His300=; no amino-acid change (histidine 300 retained).
Molecular consequence: synonymous variant.
Genome position (GRCh38, 1-based): chr10:70,598,821, G>A on the plus strand (C>T on the coding strand, the complement: PRF1 is on the minus strand). VCF-style: chr10-70598821-G-A. GRCh37 (hg19) VCF-style: chr10-72358577-G-A.
Other names: p.His300=; c.900C>T, p.His300= (NM_005041.6).
Identifiers: ClinVar variation 257409 (VCV000257409.31), dbSNP rs885822, ClinGen allele CA5538888.
Genomic context (GRCh38, chr10:70,598,821, plus strand): 5'-GGCCTGGATCCCGAACAGCAGGTCGTTAATGGAGGTGTGATGGCCGCCAACCACTTCCGA[G>A]TGGCGCTCCCGGTAGGTTTGGTGGAAGGAGGCCGTCATCTTGTGCTTCTTCTTCTTCTCC-3'
Protein context (NP_001076585.1, residues 290-310): ASFHQTYRER[His300=]SEVVGGHHTS

ClinVar aggregate classification (germline): Benign/Likely benign. Review status: criteria provided, multiple submitters, no conflicts (2 of 4 stars). 14 submissions from 13 submitters: Benign (11); Likely benign (1). 2 of the submissions do not count toward it. Last evaluated 2026-02-04.

Conditions:
Lymphoma, non-Hodgkin, familial. Identifiers: MedGen C4721532, MONDO:0011508, OMIM 605027.
Familial hemophagocytic lymphohistiocytosis 2 (FHL2). Also called: PRF1-Related Familial Hemophagocytic Lymphohistiocytosis (PRF1-fHLH). Identifiers: Orphanet 540, MedGen C1863727, MONDO:0011337, OMIM 603553.

Allele frequency attached by ClinVar (database versions not stated): gnomAD exomes 0.60832 and 0.63719; ExAC 0.63565; ESP Exome Variant Server 0.66239; gnomAD 0.66761 and 0.67032; TOPMed 0.67326; 1000 Genomes Project 0.69589; 1000 Genomes Project 30x 0.69691.

Submissions (14):

Labcorp Genetics (formerly Invitae), Labcorp
Classification: Benign for Familial hemophagocytic lymphohistiocytosis 2. Last evaluated: 2026-02-04. Review status: criteria provided, single submitter. Criteria: Invitae Variant Classification Sherloc (09022015). Collection method: clinical testing. Allele origin: germline.

KCCC/NGS Laboratory, Kuwait Cancer Control Center
Classification: Benign for Familial hemophagocytic lymphohistiocytosis 2. Last evaluated: 2025-02-01. Review status: criteria provided, single submitter. Criteria: ACMG Guidelines, 2015. Collection method: clinical testing. Allele origin: germline. Affected: no.

Blueprint Genetics
Classification: Likely benign. Last evaluated: 2024-11-27. Review status: criteria provided, single submitter. Criteria: ACMG Guidelines, 2015. Collection method: clinical testing. Allele origin: germline.

Unidad de Genómica Garrahan, Hospital de Pediatría Garrahan
Classification: Benign. Last evaluated: 2023-11-12. Review status: criteria provided, single submitter. Criteria: ACMG Guidelines, 2015. Collection method: clinical testing. Allele origin: germline. Affected: no. Observed: 78 variant alleles.
Comment: This variant is classified as Benign based on local population frequency. This variant was detected in 81% of patients studied by a panel of primary immunodeficiencies. Number of patients: 78. Only high quality variants are reported.

KCCC/NGS Laboratory, Kuwait Cancer Control Center
Classification: Benign for Lymphoma, non-Hodgkin, familial. Last evaluated: 2023-07-07. Review status: criteria provided, single submitter. Criteria: ACMG Guidelines, 2015. Collection method: clinical testing. Allele origin: germline. Affected: yes.

Mayo Clinic Laboratories, Mayo Clinic
Classification: Benign. Last evaluated: 2022-09-06. Review status: criteria provided, single submitter. Criteria: ACMG Guidelines, 2015. Collection method: clinical testing. Allele origin: germline. Observed: 871 variant alleles.

Genome-Nilou Lab
Classification: Benign for Familial hemophagocytic lymphohistiocytosis 2. Last evaluated: 2021-10-25. Review status: criteria provided, single submitter. Criteria: ACMG Guidelines, 2015. Collection method: clinical testing. Allele origin: germline. Affected: no.

Illumina Laboratory Services, Illumina
Classification: Benign for Familial hemophagocytic lymphohistiocytosis 2. Last evaluated: 2018-01-13. Review status: criteria provided, single submitter. Criteria: ICSL Variant Classification Criteria 13 December 2019. Collection method: clinical testing. Allele origin: germline.
Comment: This variant was observed in the ICSL laboratory as part of a predisposition screen in an ostensibly healthy population. It had not been previously curated by ICSL or reported in the Human Gene Mutation Database (HGMD: prior to June 1st, 2018), and was therefore a candidate for classification through an automated scoring system. Utilizing variant allele frequency, disease prevalence and penetrance estimates, and inheritance mode, an automated score was calculated to assess if this variant is too frequent to cause the disease. Based on the score and internal cut-off values, a variant classified as benign is not then subjected to further curation. The score for this variant resulted in a classification of benign for this disease.

Laboratory for Molecular Medicine, Mass General Brigham Personalized Medicine
Classification: Benign. Last evaluated: 2016-03-29. Review status: criteria provided, single submitter. Criteria: LMM Criteria. Collection method: clinical testing. Allele origin: germline. Observed: 1 variant allele.
Comment: Disclaimer: This variant has not undergone full assessment. The following are pr eliminary notes: Frequency

Genome Diagnostics Laboratory, University Medical Center Utrecht
Classification: Benign for Familial hemophagocytic lymphohistiocytosis 2. Last evaluated: 2014-10-10. Review status: criteria provided, single submitter. Criteria: ACGS Guidelines, 2013. Collection method: clinical testing. Allele origin: germline. Affected: yes. Study: VKGL Data-share Consensus.

Breakthrough Genomics
Classification: Benign. Review status: criteria provided, single submitter. Criteria: ACMG Guidelines, 2015. Collection method: not provided. Allele origin: germline. Inheritance: Autosomal recessive inheritance. Affected: yes.

PreventionGenetics, part of Exact Sciences
Classification: Benign. Review status: criteria provided, single submitter. Criteria: ACMG Guidelines, 2015. Collection method: clinical testing. Allele origin: germline.

Diagnostic Laboratory, Department of Genetics, University Medical Center Groningen
Classification: Benign for Familial hemophagocytic lymphohistiocytosis 2. Review status: no assertion criteria provided. Collection method: clinical testing. Allele origin: germline. Affected: yes. Study: VKGL Data-share Consensus. Not counted in ClinVar's aggregate classification.

Joint Genome Diagnostic Labs from Nijmegen and Maastricht, Radboudumc and MUMC+
Classification: Benign. Review status: no assertion criteria provided. Collection method: clinical testing. Allele origin: germline. Affected: yes. Study: VKGL Data-share Consensus. Not counted in ClinVar's aggregate classification.